The following is an entry in ClinVar:

NM_002485.5(NBN):c.193G>T (p.Val65Leu)

Gene: NBN (nibrin; minus strand). Cytogenetic location: 8q21.3.
Variant type: single nucleotide variant.
Coding change: c.193G>T on transcript NM_002485.5 (MANE Select); coding-DNA position 193, G replaced by T.
Protein change: p.Val65Leu; replaces valine 65 with leucine.
Molecular consequence: missense variant. On other transcripts: 5 prime UTR variant (1).
Genome position (GRCh38, 1-based): chr8:89,981,502, C>A on the plus strand (G>T on the coding strand, the complement: NBN is on the minus strand). VCF-style: chr8-89981502-C-A. GRCh37 (hg19) VCF-style: chr8-90993730-C-A.
Other names: c.-54G>T (NM_001024688.3); short protein forms V65L.
Identifiers: ClinVar variation 1022156 (VCV001022156.8), dbSNP rs778998026, ClinGen allele CA371662598.

ClinVar aggregate classification (germline): Uncertain significance (1 of 4 stars; one submission).

Conditions:
Microcephaly, normal intelligence and immunodeficiency (NBS). Also called: BERLIN BREAKAGE SYNDROME; Immunodeficiency, microcephaly with normal intelligence; Nijmegen breakage syndrome; Microcephaly with normal intelligence immunodeficiency and lymphoreticular malignancies; Nonsyndromal microcephaly autosomal recessive with normal intelligence; Seemanova syndrome 2. Identifiers: Orphanet 647, MedGen C0398791, MONDO:0009623, OMIM 251260.

Submission:

Labcorp Genetics (formerly Invitae), Labcorp
Classification: Uncertain significance for Microcephaly, normal intelligence and immunodeficiency. Last evaluated: 2020-08-14. Review status: criteria provided, single submitter. Criteria: Invitae Variant Classification Sherloc (09022015). Collection method: clinical testing. Allele origin: germline.
Comment: This sequence change replaces valine with leucine at codon 65 of the NBN protein (p.Val65Leu). The valine residue is weakly conserved and there is a small physicochemical difference between valine and leucine. This variant is not present in population databases (ExAC no frequency). This variant has not been reported in the literature in individuals with NBN-related conditions. Algorithms developed to predict the effect of missense changes on protein structure and function (SIFT, PolyPhen-2, Align-GVGD) all suggest that this variant is likely to be tolerated, but these predictions have not been confirmed by published functional studies and their clinical significance is uncertain. In summary, the available evidence is currently insufficient to determine the role of this variant in disease. Therefore, it has been classified as a Variant of Uncertain Significance.